The following is an entry in ClinVar:

ClinVar aggregate classification (germline): Uncertain significance. Review status: criteria provided, multiple submitters, no conflicts (2 of 4 stars). 4 submissions from 4 submitters: Uncertain significance (4). Last evaluated 2024-11-11.

Conditions:
Familial thoracic aortic aneurysm and aortic dissection (TAAD). Also called: Thoracic aortic aneurysms and dissections. Identifiers: Orphanet 91387, MedGen C4707243, MONDO:0019625.
Arterial tortuosity syndrome (ATORS). Identifiers: Orphanet 3342, MedGen C1859726, MONDO:0008818, OMIM 208050.

Allele frequency attached by ClinVar (database versions not stated): TOPMed 0.00003; gnomAD 0.00006; ESP Exome Variant Server 0.00008.
gnomAD v4.1: 52 of 1,614,142 alleles (0.0032%); highest among the groups gnomAD compares: Non-Finnish European, 0.0036%; no homozygotes.

Submissions (4):

GeneDx
Classification: Uncertain significance. Last evaluated: 2024-11-11. Review status: criteria provided, single submitter. Criteria: GeneDx Variant Classification Process June 2021. Collection method: clinical testing. Allele origin: germline. Affected: yes.
Comment: Not observed at significant frequency in large population cohorts (gnomAD); In silico analysis supports that this missense variant has a deleterious effect on protein structure/function; Has not been previously published as pathogenic or benign to our knowledge

Ambry Genetics
Classification: Uncertain significance for Familial thoracic aortic aneurysm and aortic dissection. Last evaluated: 2024-05-22. Review status: criteria provided, single submitter. Criteria: Ambry Variant Classification Scheme 2023. Collection method: clinical testing. Allele origin: germline.
Comment: The p.G266V variant (also known as c.797G>T), located in coding exon 2 of the SLC2A10 gene, results from a G to T substitution at nucleotide position 797. The glycine at codon 266 is replaced by valine, an amino acid with dissimilar properties. This amino acid position is not well conserved in available vertebrate species. In addition, this alteration is predicted to be tolerated by in silico analysis. Since supporting evidence is limited at this time, the clinical significance of this alteration remains unclear.

Baylor Genetics
Classification: Uncertain significance for Arterial tortuosity syndrome. Last evaluated: 2022-10-16. Review status: criteria provided, single submitter. Criteria: ACMG Guidelines, 2015. Collection method: clinical testing. Allele origin: unknown.

Labcorp Genetics (formerly Invitae), Labcorp
Classification: Uncertain significance for Arterial tortuosity syndrome. Last evaluated: 2022-03-04. Review status: criteria provided, single submitter. Criteria: Invitae Variant Classification Sherloc (09022015). Collection method: clinical testing. Allele origin: germline.
Comment: This sequence change replaces glycine, which is neutral and non-polar, with valine, which is neutral and non-polar, at codon 266 of the SLC2A10 protein (p.Gly266Val). This variant is present in population databases (rs369484751, gnomAD 0.006%). This variant has not been reported in the literature in individuals affected with SLC2A10-related conditions. ClinVar contains an entry for this variant (Variation ID: 449995). Advanced modeling of protein sequence and biophysical properties (such as structural, functional, and spatial information, amino acid conservation, physicochemical variation, residue mobility, and thermodynamic stability) performed at Invitae indicates that this missense variant is not expected to disrupt SLC2A10 protein function. Algorithms developed to predict the effect of sequence changes on RNA splicing suggest that this variant may create or strengthen a splice site. In summary, the available evidence is currently insufficient to determine the role of this variant in disease. Therefore, it has been classified as a Variant of Uncertain Significance.

NM_030777.4(SLC2A10):c.797G>T (p.Gly266Val)

Gene: SLC2A10 (solute carrier family 2 member 10; plus strand). Cytogenetic location: 20q13.12.
Variant type: single nucleotide variant.
Coding change: c.797G>T on transcript NM_030777.4 (MANE Select); coding-DNA position 797, G replaced by T.
Protein change: p.Gly266Val; replaces glycine 266 with valine.
Molecular consequence: missense variant.
Genome position (GRCh38, 1-based): chr20:46,725,833, G>T. VCF-style: chr20-46725833-G-T. GRCh37 (hg19) VCF-style: chr20-45354472-G-T.
Other names: short protein forms G266V.
Identifiers: ClinVar variation 449995 (VCV000449995.12), dbSNP rs369484751, ClinGen allele CA9892046.
Genomic context (GRCh38, chr20:46,725,833, plus strand): 5'-GGCAGCCCAACGTGCTGTGCTATGCCTCCACCATCTTCAGCTCCGTTGGTTTCCATGGGG[G>T]ATCCTCAGCCGTGCTGGCCTCTGTGGGGCTTGGCGCAGTGAAGGTGGCAGCTACCCTGAC-3'
Protein context (NP_110404.1, residues 256-276): TIFSSVGFHG[Gly266Val]SSAVLASVGL